The following is an entry in ClinVar:

NM_014915.3(ANKRD26):c.538C>G (p.Leu180Val)

Gene: ANKRD26 (ankyrin repeat domain containing 26; minus strand). Cytogenetic location: 10p12.1.
Variant type: single nucleotide variant.
Coding change: c.538C>G on transcript NM_014915.3 (MANE Select); coding-DNA position 538, C replaced by G.
Protein change: p.Leu180Val; replaces leucine 180 with valine.
Molecular consequence: missense variant.
Genome position (GRCh38, 1-based): chr10:27,092,506, G>C on the plus strand (C>G on the coding strand, the complement: ANKRD26 is on the minus strand). VCF-style: chr10-27092506-G-C. GRCh37 (hg19) VCF-style: chr10-27381435-G-C.
Other names: c.538C>G, p.Leu180Val (NM_001256053.2); short protein forms L180V.
Identifiers: ClinVar variation 3915113 (VCV003915113.1).

ClinVar aggregate classification (germline): Uncertain significance (1 of 4 stars; one submission).

Conditions:
Inborn genetic diseases. Identifiers: MedGen C0950123, MeSH D030342.

Submission:

Ambry Genetics
Classification: Uncertain significance for Inborn genetic diseases. Last evaluated: 2025-06-07. Review status: criteria provided, single submitter. Criteria: Ambry Variant Classification Scheme 2023. Collection method: clinical testing. Allele origin: germline.
Comment: The p.L180V variant (also known as c.538C>G), located in coding exon 4 of the ANKRD26 gene, results from a C to G substitution at nucleotide position 538. The leucine at codon 180 is replaced by valine, an amino acid with highly similar properties. This amino acid position is conserved. In addition, this alteration is predicted to be tolerated by in silico analysis. Based on the available evidence, the clinical significance of this variant remains unclear.